The following is an entry in ClinVar:

ClinVar aggregate classification (germline): Conflicting classifications of pathogenicity. Review status: criteria provided, conflicting classifications (1 of 4 stars). 2 submissions from 2 submitters: Uncertain significance (1); Likely benign (1). Last evaluated 2022-12-06.

Conditions:
Inborn genetic diseases. Identifiers: MedGen C0950123, MeSH D030342.
Neuropathy, hereditary sensory and autonomic, type 2A (HSAN2A). Also called: ACROOSTEOLYSIS, NEUROGENIC; ACROOSTEOLYSIS, GIACCAI TYPE; MORVAN DISEASE; NEUROPATHY, CONGENITAL SENSORY; NEUROPATHY, HEREDITARY SENSORY RADICULAR, AUTOSOMAL RECESSIVE; NEUROPATHY, HEREDITARY SENSORY, TYPE IIA. Identifiers: Orphanet 970, MedGen C2752089, MONDO:0024309, OMIM 201300.
Generalized epilepsy with febrile seizures plus, type 7 (GEFSP7). Also called: GEFS+, TYPE 7. Identifiers: Orphanet 36387, MedGen C2751778, MONDO:0013470, OMIM 613863.

Submissions (2):

Labcorp Genetics (formerly Invitae), Labcorp
Classification: Likely benign for Neuropathy, hereditary sensory and autonomic, type 2A; Generalized epilepsy with febrile seizures plus, type 7. Last evaluated: 2022-12-06. Review status: criteria provided, single submitter. Criteria: Invitae Variant Classification Sherloc (09022015). Collection method: clinical testing. Allele origin: germline.

Ambry Genetics
Classification: Uncertain significance for Inborn genetic diseases. Last evaluated: 2021-12-23. Review status: criteria provided, single submitter. Criteria: Ambry Variant Classification Scheme 2023. Collection method: clinical testing. Allele origin: germline.
Comment: The c.4366-6C>A intronic variant results from a C to A substitution 6 nucleotides upstream from coding exon 24 in the SCN9A gene. This nucleotide position is not well conserved in available vertebrate species. In silico splice site analysis predicts that this alteration will not have any significant effect on splicing. Since supporting evidence is limited at this time, the clinical significance of this alteration remains unclear.

NM_001365536.1(SCN9A):c.4399-6C>A

Genes: SCN9A (sodium voltage-gated channel alpha subunit 9; minus strand), SCN1A-AS1 (SCN1A and SCN9A antisense RNA 1; plus strand). Cytogenetic location: 2q24.3.
Variant type: single nucleotide variant.
Coding change: c.4399-6C>A on transcript NM_001365536.1 (MANE Select); 6 bases into the intron before coding-DNA position 4399, C replaced by A.
Molecular consequence: intron variant.
Genome position (GRCh38, 1-based): chr2:166,204,470, G>T on the plus strand (C>A on the coding strand, the complement: SCN9A is on the minus strand). VCF-style: chr2-166204470-G-T. GRCh37 (hg19) VCF-style: chr2-167060980-G-T.
Other names: c.4366-6C>A (NM_002977.4).
Identifiers: ClinVar variation 471129 (VCV000471129.12), dbSNP rs1553474406, ClinGen allele CA658657119.
Genomic context (GRCh38, chr2:166,204,470, plus strand): 5'-TTGCATTATAGTATTTCTTCTGTTCTTCTGTCATAAAGATGTCTTGACCTCCAAGGTAAA[G>T]AAACAAACAAAAAATAAATGTAGTTAAAACCAGAATCATTGTCTACATCTTTCTATAGAT-3'